The following is an entry in ClinVar:

NM_001134831.2(AHI1):c.712A>G (p.Lys238Glu)

Gene: AHI1 (Abelson helper integration site 1; minus strand). Cytogenetic location: 6q23.3.
Variant type: single nucleotide variant.
Coding change: c.712A>G on transcript NM_001134831.2 (MANE Select); coding-DNA position 712, A replaced by G.
Protein change: p.Lys238Glu; replaces lysine 238 with glutamic acid.
Molecular consequence: missense variant.
Genome position (GRCh38, 1-based): chr6:135,465,851, T>C on the plus strand (A>G on the coding strand, the complement: AHI1 is on the minus strand). VCF-style: chr6-135465851-T-C. GRCh37 (hg19) VCF-style: chr6-135786989-T-C.
Other names: c.712A>G, p.Lys238Glu (NM_001134830.2, NM_001134832.2, NM_001350503.2 and 2 more transcripts); short protein forms K238E.
Identifiers: ClinVar variation 1107222 (VCV001107222.15), dbSNP rs748182443, ClinGen allele CA4012780.
Genomic context (GRCh38, chr6:135,465,851, plus strand): 5'-TACATTTATCAATGCAAAAATACCTTGTTTCAGCTTTAGAGAAGACTGGAACTTCCTTTT[T>C]CTTTTTCCTTTTTTCACTGCTTAGTTTGTCATCATGGAATAAAGTATCTGAGGGAAAGTA-3'
Protein context (NP_001128303.1, residues 228-248): DKLSSEKRKK[Lys238Glu]KEVPVFSKAE

ClinVar aggregate classification (germline): Conflicting classifications of pathogenicity. Review status: criteria provided, conflicting classifications (1 of 4 stars). 3 submissions from 3 submitters: Uncertain significance (1); Likely benign (2). Last evaluated 2026-01-28.

Conditions:
Joubert syndrome. Also called: JOUBERT-BOLTSHAUSER SYNDROME; Familial aplasia of the vermis. Identifiers: Orphanet 475, MedGen C5979921, MONDO:0018772.

gnomAD v4.1: 60 of 1,485,858 alleles (0.004%); highest among the groups gnomAD compares: Admixed American, 0.14%; no homozygotes.

Submissions (3):

Labcorp Genetics (formerly Invitae), Labcorp
Classification: Likely benign for Joubert syndrome. Last evaluated: 2026-01-28. Review status: criteria provided, single submitter. Criteria: Invitae Variant Classification Sherloc (09022015). Collection method: clinical testing. Allele origin: germline.

Blueprint Genetics
Classification: Likely benign. Last evaluated: 2024-03-08. Review status: criteria provided, single submitter. Criteria: ACMG Guidelines, 2015. Collection method: clinical testing. Allele origin: germline.

GeneDx
Classification: Uncertain significance. Last evaluated: 2023-06-26. Review status: criteria provided, single submitter. Criteria: GeneDx Variant Classification Process June 2021. Collection method: clinical testing. Allele origin: germline. Affected: yes.
Comment: In silico analysis supports that this missense variant has a deleterious effect on protein structure/function; Has not been previously published as pathogenic or benign to our knowledge